The following is an entry in ClinVar:

ClinVar aggregate classification (germline): Uncertain significance (1 of 4 stars; one submission).

Conditions:
Peroxisome biogenesis disorder 2B (PBD2B). Identifiers: Orphanet 44, MedGen C3550234, MONDO:0008736, OMIM 202370.

Allele frequency attached by ClinVar (database versions not stated): gnomAD exomes below 0.00001 and 0.00001; ExAC 0.00001; gnomAD 0.00001; TOPMed 0.00001.
gnomAD v4.1: 2 of 1,614,000 alleles (0.00012%); highest among the groups gnomAD compares: African/African-American, 0.0013%; no homozygotes.

Submission:

Labcorp Genetics (formerly Invitae), Labcorp
Classification: Uncertain significance for Peroxisome biogenesis disorder 2B. Last evaluated: 2022-06-27. Review status: criteria provided, single submitter. Criteria: Invitae Variant Classification Sherloc (09022015). Collection method: clinical testing. Allele origin: germline.
Comment: In summary, the available evidence is currently insufficient to determine the role of this variant in disease. Therefore, it has been classified as a Variant of Uncertain Significance. Algorithms developed to predict the effect of sequence changes on RNA splicing suggest that this variant may disrupt the consensus splice site. Algorithms developed to predict the effect of missense changes on protein structure and function (SIFT, PolyPhen-2, Align-GVGD) all suggest that this variant is likely to be tolerated. This variant has not been reported in the literature in individuals affected with PEX5-related conditions. This variant is present in population databases (rs771879452, gnomAD 0.007%). This sequence change replaces glycine, which is neutral and non-polar, with serine, which is neutral and polar, at codon 223 of the PEX5 protein (p.Gly223Ser).

NM_001351132.2(PEX5):c.667G>A (p.Gly223Ser)

Gene: PEX5 (peroxisomal biogenesis factor 5; plus strand). Cytogenetic location: 12p13.31.
Variant type: single nucleotide variant.
Coding change: c.667G>A on transcript NM_001351132.2 (MANE Select); coding-DNA position 667, G replaced by A.
Protein change: p.Gly223Ser; replaces glycine 223 with serine.
Molecular consequence: missense variant. On other transcripts: intron variant (15).
Genome position (GRCh38, 1-based): chr12:7,202,265, G>A. VCF-style: chr12-7202265-G-A. GRCh37 (hg19) VCF-style: chr12-7354861-G-A.
Other names: c.667G>A, p.Gly223Ser (NM_000319.5, NM_001131025.2, NM_001131026.2 and 6 more transcripts); c.712G>A, p.Gly238Ser (NM_001131023.2); c.643-347G>A (NM_001351124.3, NM_001351126.2, NM_001374646.1 and 10 more transcripts); c.688-347G>A (NM_001351135.3, NM_001351138.2); short protein forms G223S, G238S.
Identifiers: ClinVar variation 1492239 (VCV001492239.8), dbSNP rs771879452, ClinGen allele CA6426232.